The following is an entry in ClinVar:

NM_001401501.2(MUC16):c.17235G>A (p.Ala5745=)

Gene: MUC16 (mucin 16, cell surface associated; minus strand). Cytogenetic location: 19p13.2.
Variant type: single nucleotide variant.
Coding change: c.17235G>A on transcript NM_001401501.2 (MANE Select); coding-DNA position 17235, G replaced by A.
Protein change: p.Ala5745=; no amino-acid change (alanine 5745 retained).
Molecular consequence: synonymous variant.
Genome position (GRCh38, 1-based): chr19:8,959,655, C>T on the plus strand (G>A on the coding strand, the complement: MUC16 is on the minus strand). VCF-style: chr19-8959655-C-T. GRCh37 (hg19) VCF-style: chr19-9070331-C-T.
Other names: c.17661G>A, p.Ala5887= (NM_001414686.1); c.17115G>A, p.Ala5705= (NM_001414687.1, NM_024690.2).
Identifiers: ClinVar variation 2649253 (VCV002649253.24), dbSNP rs186109841, ClinGen allele CA9170006.

ClinVar aggregate classification (germline): Likely benign (1 of 4 stars; one submission).

Allele frequency attached by ClinVar (database versions not stated): 1000 Genomes Project 0.00040; 1000 Genomes Project 30x 0.00047; ExAC 0.00076; gnomAD 0.00082; ESP Exome Variant Server 0.00095; TOPMed 0.00097.

Submission:

CeGaT Center for Human Genetics Tuebingen
Classification: Likely benign. Last evaluated: 2022-09-01. Review status: criteria provided, single submitter. Criteria: CeGaT Center For Human Genetics Tuebingen Variant Classification Criteria Version 2. Collection method: clinical testing. Allele origin: germline. Affected: yes. Observed: 3 variant alleles.
Comment: MUC16: BP4, BP7